The following is an entry in ClinVar:

NM_006767.4(LZTR1):c.2406+1_2406+2del

Gene: LZTR1 (leucine zipper like post translational regulator 1; plus strand). Cytogenetic location: 22q11.21.
Variant type: Deletion.
Coding change: c.2406+1_2406+2del on transcript NM_006767.4 (MANE Select); the canonical splice donor site of the intron after coding-DNA position 2406, 2 bases deleted (GT; older notation c.2406+1_2406+2delGT).
Molecular consequence: splice donor variant.
Genome position (GRCh38, 1-based): chr22:20,996,967-20,996,968, GT deleted. VCF-style (leftmost placement, unchanged base first): chr22-20996966-GGT-G. GRCh37 (hg19) VCF-style: chr22-21351255-GGT-G.
Identifiers: ClinVar variation 5023804 (VCV005023804.1).
Genomic context (GRCh38, chr22:20,996,966, plus strand): 5'-AACGCAGGCACTGGACATGAAGCGGCACTGCCTGCACATCATTGTGCACCAGTTCACCAA[GGT>G]CAGGGCTCTGGCCTCCCCTTCAGGACTCGCTTCCCCTTGGCAGTGGCCATGCCCAGGCAG-3'

ClinVar aggregate classification (germline): Likely pathogenic (1 of 4 stars; one submission).

Conditions:
Cardiovascular phenotype. Identifiers: MedGen CN230736.
Hereditary cancer-predisposing syndrome. Also called: Neoplastic Syndromes, Hereditary; Tumor predisposition; Hereditary neoplastic syndrome; Hereditary Cancer Syndrome. Identifiers: Orphanet 140162, MedGen C0027672, MeSH D009386, MONDO:0015356.

Submission:

Ambry Genetics
Classification: Likely pathogenic for Cardiovascular phenotype; Hereditary cancer-predisposing syndrome. Last evaluated: 2026-09-08. Review status: criteria provided, single submitter. Criteria: Ambry Variant Classification Scheme 2023. Collection method: clinical testing. Allele origin: germline.
Comment: The c.2406+1_2406+2delGT intronic variant, results from a deletion of two nucleotides immediately after coding exon 20 of the LZTR1 gene. Variants that disrupt the canonical splice site are expected to result in aberrant splicing. In silico splice site analysis predicts that this alteration will weaken the native splice donor site. RNA studies have demonstrated that this variant results in abnormal splicing in the set of samples tested (Ambry internal data). A resulting transcript is predicted to be in-frame and is not expected to trigger nonsense-mediated mRNAdecay; although, direct evidence is unavailable. However, the region predicted to be impacted is critical for protein function (Ambry internal data). This variant is considered to be rare based on population cohorts in the Genome Aggregation Database (gnomAD). These nucleotide positions are highly conserved in available vertebrate species. Loss-of-function variants in LZTR1 are related to an increased risk for schwannomas and autosomal recessive Noonan syndrome; however, such associations with autosomal dominant Noonan syndrome have not been observed (Piotrowski A et al. Nat Genet. 2014 Feb;46:182-7; Yamamoto GL et al. J Med Genet. 2015 Jun;52:413-21; Johnston JJ et al. Genet Med. 2018 10;20:1175-1185). Based on the supporting evidence, this variant is likely pathogenic for an increased risk of LZTR1-related schwannomatosis (SWN) and would be expected to cause autosomal recessive Noonan syndrome when present along with a second pathogenic or likely pathogenic variant on the other allele; however, the association of this variant with autosomal dominant Noonan syndrome is unlikely.